The following is an entry in ClinVar:

NM_000268.4(NF2):c.184_206del (p.Phe62fs)

Gene: NF2 (NF2, moesin-ezrin-radixin like (MERLIN) tumor suppressor; plus strand). Cytogenetic location: 22q12.2.
Variant type: Deletion.
Coding change: c.184_206del on transcript NM_000268.4 (MANE Select); coding-DNA positions 184 to 206, 23 bases deleted (TTTGGACTGCAGTACACAATCAA).
Protein change: p.Phe62fs; shifts the reading frame from phenylalanine 62.
Molecular consequence: frameshift variant. On other transcripts: 5 prime UTR variant (2), intron variant (6).
Genome position (GRCh38, 1-based): chr22:29,636,820-29,636,842, TTTGGACTGCAGTACACAATCAA deleted. VCF-style (leftmost placement, unchanged base first): chr22-29636819-CTTTGGACTGCAGTACACAATCAA-C. GRCh37 (hg19) VCF-style: chr22-30032808-CTTTGGACTGCAGTACACAATCAA-C.
Other names: c.70_92del, p.Phe24fs (NM_001407053.1, NM_001407056.1); c.184_206del, p.Phe62fs (NM_001407054.1, NM_001407057.1, NM_001407058.1 and 9 more transcripts); c.-457_-435del (NM_001407065.1); c.-73_-51del (NM_001407067.1); c.115-2270_115-2248del (NM_181828.3, NM_001407055.1); c.115-5382_115-5360del (NM_001407063.1, NM_181830.3, NM_001407064.1 and 1 more transcripts); short protein forms F62fs, F24fs.
Identifiers: ClinVar variation 3662822 (VCV003662822.2).

ClinVar aggregate classification (germline): Pathogenic (1 of 4 stars; one submission).

Conditions:
Neurofibromatosis, type 2 (SWNV). Also called: BILATERAL ACOUSTIC NEUROFIBROMATOSIS; SCHWANNOMATOSIS, VESTIBULAR; NF2-Related Schwannomatosis. Identifiers: Orphanet 637, MedGen C0027832, MONDO:0007039, OMIM 101000. Disease mechanism: loss of function.

Submission:

Labcorp Genetics (formerly Invitae), Labcorp
Classification: Pathogenic for Neurofibromatosis, type 2. Last evaluated: 2026-01-26. Review status: criteria provided, single submitter. Criteria: Invitae Variant Classification Sherloc (09022015). Collection method: clinical testing. Allele origin: germline.
Comment: This sequence change creates a premature translational stop signal (p.Phe62Glyfs*16) in the NF2 gene. It is expected to result in an absent or disrupted protein product. Loss-of-function variants in NF2 are known to be pathogenic (PMID: 9643284, 16983642). This variant is not present in population databases (gnomAD no frequency). This variant has not been reported in the literature in individuals affected with NF2-related conditions. ClinVar contains an entry for this variant (Variation ID: 3662822). For these reasons, this variant has been classified as Pathogenic.

Literature cited by the submitters: PubMed 9643284; PubMed 16983642.